The following is an entry in ClinVar:

NM_003803.4(MYOM1):c.1650G>T (p.Glu550Asp)

Gene: MYOM1 (myomesin 1; minus strand). Cytogenetic location: 18p11.31.
Variant type: single nucleotide variant.
Coding change: c.1650G>T on transcript NM_003803.4 (MANE Select); coding-DNA position 1650, G replaced by T.
Protein change: p.Glu550Asp; replaces glutamic acid 550 with aspartic acid.
Molecular consequence: missense variant.
Genome position (GRCh38, 1-based): chr18:3,151,887, C>A on the plus strand (G>T on the coding strand, the complement: MYOM1 is on the minus strand). VCF-style: chr18-3151887-C-A. GRCh37 (hg19) VCF-style: chr18-3151885-C-A.
Other names: c.1650G>T, p.Glu550Asp (NM_019856.2); short protein forms E550D.
Identifiers: ClinVar variation 2561496 (VCV002561496.2), dbSNP rs373255016, ClinGen allele CA295530942.

ClinVar aggregate classification (germline): Uncertain significance (1 of 4 stars; one submission).

gnomAD v4.1: 3 of 1,611,840 alleles (0.00019%); highest among the groups gnomAD compares: Non-Finnish European, 0.00025%; no homozygotes.

Submission:

Ambry Genetics
Classification: Uncertain significance. Last evaluated: 2023-05-06. Review status: criteria provided, single submitter. Criteria: Ambry Variant Classification Scheme 2023. Collection method: clinical testing. Allele origin: germline.
Comment: The p.E550D variant (also known as c.1650G>T), located in coding exon 11 of the MYOM1 gene, results from a G to T substitution at nucleotide position 1650. The glutamic acid at codon 550 is replaced by aspartic acid, an amino acid with highly similar properties. This amino acid position is conserved. In addition, the in silico prediction for this alteration is inconclusive. Since supporting evidence is limited at this time, the clinical significance of this alteration remains unclear.